The following is an entry in ClinVar:

NM_000179.3(MSH6):c.3755TAG[1] (p.Val1253del)

Gene: MSH6 (mutS homolog 6; plus strand). Cytogenetic location: 2p16.3.
Variant type: Microsatellite.
Coding change: c.3755TAG[1] on transcript NM_000179.3 (MANE Select); one copy of the 3-base unit TAG starting at c.3755; the reference has two copies in a row; one copy, 3 bases deleted.
Protein change: p.Val1253del; deletes valine 1253.
Molecular consequence: inframe deletion.
Genome position (GRCh38, 1-based): chr2:47,806,315-47,806,317, TAG deleted; deleting any 3 consecutive bases within chr2:47,806,312-47,806,317 gives the same sequence; the position shown is the placement nearest the transcript's 3' end. VCF-style (leftmost placement, unchanged base first): chr2-47806311-TTAG-T. GRCh37 (hg19) VCF-style: chr2-48033450-TTAG-T.
Other names: c.3365TAG[1], p.Val1123del (NM_001281492.2); c.2849TAG[1], p.Val951del (NM_001281493.2, NM_001281494.2); short protein forms V1123del, V1253del, V951del.
Identifiers: ClinVar variation 1034975 (VCV001034975.11), dbSNP rs1670059017, ClinGen allele CA2496054167.

ClinVar aggregate classification (germline): Uncertain significance (1 of 4 stars; one submission).

Conditions:
Hereditary nonpolyposis colorectal neoplasms. Identifiers: MedGen C0009405, MeSH D003123.

Submission:

Labcorp Genetics (formerly Invitae), Labcorp
Classification: Uncertain significance for Hereditary nonpolyposis colorectal neoplasms. Last evaluated: 2023-11-27. Review status: criteria provided, single submitter. Criteria: Invitae Variant Classification Sherloc (09022015). Collection method: clinical testing. Allele origin: germline.
Comment: This variant, c.3758_3760del, results in the deletion of 1 amino acid(s) of the MSH6 protein (p.Val1253del), but otherwise preserves the integrity of the reading frame. This variant is not present in population databases (gnomAD no frequency). This variant has not been reported in the literature in individuals affected with MSH6-related conditions. Experimental studies and prediction algorithms are not available or were not evaluated, and the functional significance of this variant is currently unknown. In summary, the available evidence is currently insufficient to determine the role of this variant in disease. Therefore, it has been classified as a Variant of Uncertain Significance.